The following is an entry in ClinVar:

NM_001429.4(EP300):c.5873del (p.Pro1958fs)

Gene: EP300 (EP300 lysine acetyltransferase; plus strand). Cytogenetic location: 22q13.2.
Variant type: Deletion.
Coding change: c.5873del on transcript NM_001429.4 (MANE Select); coding-DNA position 5873, one base deleted (C; older notation c.5873delC).
Protein change: p.Pro1958fs; shifts the reading frame from proline 1958.
Molecular consequence: frameshift variant.
Genome position (GRCh38, 1-based): chr22:41,177,584, C deleted; the last of 5 consecutive C bases (chr22:41,177,580-41,177,584); deleting any one gives the same sequence. VCF-style (leftmost placement, unchanged base first): chr22-41177579-GC-G. GRCh37 (hg19) VCF-style: chr22-41573583-GC-G.
Other names: c.5795del, p.Pro1932fs (NM_001362843.2); short protein forms P1932fs, P1958fs.
Identifiers: ClinVar variation 1701442 (VCV001701442.31), dbSNP rs2145518271, ClinGen allele CA658793937.

ClinVar aggregate classification (germline): Likely pathogenic (1 of 4 stars; one submission).

Submission:

CeGaT Center for Human Genetics Tuebingen
Classification: Likely pathogenic. Last evaluated: 2022-07-01. Review status: criteria provided, single submitter. Criteria: CeGaT Center For Human Genetics Tuebingen Variant Classification Criteria Version 2. Collection method: clinical testing. Allele origin: germline. Affected: yes. Observed: 1 variant allele.
Comment: EP300: PVS1:Strong, PM2, PS2:Moderate, PS4:Supporting